The following is an entry in ClinVar:

ClinVar aggregate classification (germline): Benign (1 of 4 stars; one submission).

Conditions:
Hereditary spastic paraplegia 3A (SPG3A). Also called: SPASTIC PARAPLEGIA 3, AUTOSOMAL DOMINANT; FAMILIAL SPASTIC PARAPLEGIA, AUTOSOMAL DOMINANT, 1; SPG3; STRUMPELL DISEASE; Spastic Paraplegia 3A; Spastic paraplegia 3A, autosomal dominant. Identifiers: Orphanet 100984, MedGen C2931355, MONDO:0008437, OMIM 182600.

Allele frequency attached by ClinVar (database versions not stated): TOPMed 0.00035; 1000 Genomes Project 30x 0.00047; 1000 Genomes Project 0.00060; gnomAD 0.00065; gnomAD exomes 0.00088.
gnomAD v4.1: 107 of 164,154 alleles (0.065%); highest among the groups gnomAD compares: Non-Finnish European, 0.08%; no homozygotes.

Submission:

Illumina Laboratory Services, Illumina
Classification: Benign for Hereditary spastic paraplegia 3A. Last evaluated: 2018-01-13. Review status: criteria provided, single submitter. Criteria: ICSL Variant Classification Criteria 13 December 2019. Collection method: clinical testing. Allele origin: germline.
Comment: This variant was observed in the ICSL laboratory as part of a predisposition screen in an ostensibly healthy population. It had not been previously curated by ICSL or reported in the Human Gene Mutation Database (HGMD: prior to June 1st, 2018), and was therefore a candidate for classification through an automated scoring system. Utilizing variant allele frequency, disease prevalence and penetrance estimates, and inheritance mode, an automated score was calculated to assess if this variant is too frequent to cause the disease. Based on the score and internal cut-off values, a variant classified as benign is not then subjected to further curation. The score for this variant resulted in a classification of benign for this disease.

NM_015915.5(ATL1):c.*450A>G

Gene: ATL1 (atlastin GTPase 1; plus strand). Cytogenetic location: 14q22.1.
Variant type: single nucleotide variant.
Coding change: c.*450A>G on transcript NM_015915.5 (MANE Select); 450 bases downstream of the stop codon, A replaced by G.
Molecular consequence: 3 prime UTR variant.
Genome position (GRCh38, 1-based): chr14:50,632,789, A>G. VCF-style: chr14-50632789-A-G. GRCh37 (hg19) VCF-style: chr14-51099507-A-G.
Other names: c.*450A>G (NM_001127713.1, NM_181598.4).
Identifiers: ClinVar variation 313312 (VCV000313312.5), dbSNP rs183817549, ClinGen allele CA10640275.
Genomic context (GRCh38, chr14:50,632,789, plus strand): 5'-AGCCATTTGTTAAAACACAGCATCATAACTCAGCAGGCTGGATTTAATCTGTATCATCTT[A>G]TATATATCACAATCTTATTTTTAAGCACATTTTAGAGTTCCTTAGTTGCTTTATCAAAAA-3'